The following is an entry in ClinVar:

NM_020975.6(RET):c.2629G>T (p.Ala877Ser)

Gene: RET (ret proto-oncogene; plus strand). Cytogenetic location: 10q11.21.
Variant type: single nucleotide variant.
Coding change: c.2629G>T on transcript NM_020975.6 (MANE Select); coding-DNA position 2629, G replaced by T.
Protein change: p.Ala877Ser; replaces alanine 877 with serine.
Molecular consequence: missense variant.
Genome position (GRCh38, 1-based): chr10:43,120,102, G>T. VCF-style: chr10-43120102-G-T. GRCh37 (hg19) VCF-style: chr10-43615550-G-T.
Other names: c.2629G>T, p.Ala877Ser (NM_000323.2, NM_001406743.1, NM_001406744.1 and 4 more transcripts); c.1867G>T, p.Ala623Ser (NM_001355216.2); c.2500G>T, p.Ala834Ser (NM_001406761.1, NM_001406762.1, NM_001406764.1); c.2494G>T, p.Ala832Ser (NM_001406763.1, NM_001406765.1); c.2341G>T, p.Ala781Ser (NM_001406766.1, NM_001406767.1, NM_001406770.1); c.2365G>T, p.Ala789Ser (NM_001406768.1); c.2233G>T, p.Ala745Ser (NM_001406769.1, NM_001406772.1); c.2191G>T, p.Ala731Ser (NM_001406771.1, NM_001406773.1); and 10 more; short protein forms A578S, A635S, A731S, A745S, A877S, A482S, A547S, A623S.
Identifiers: ClinVar variation 1794023 (VCV001794023.9), dbSNP rs1838178869, ClinGen allele CA376557058.

ClinVar aggregate classification (germline): Uncertain significance. Review status: criteria provided, multiple submitters, no conflicts (2 of 4 stars). 3 submissions from 3 submitters: Uncertain significance (3). Last evaluated 2025-06-21.

Conditions:
Hereditary cancer-predisposing syndrome. Also called: Tumor predisposition; Hereditary Cancer Syndrome; Neoplastic Syndromes, Hereditary; Hereditary neoplastic syndrome. Identifiers: Orphanet 140162, MedGen C0027672, MeSH D009386, MONDO:0015356.
Multiple endocrine neoplasia, type 2 (MEN2). Identifiers: Orphanet 653, MedGen C4048306, MONDO:0019003. Disease mechanism: gain of function.

Allele frequency attached by ClinVar (database versions not stated): gnomAD exomes below 0.00001.
gnomAD v4.1: 1 of 1,613,978 alleles (0.000062%); highest among the groups gnomAD compares: Non-Finnish European, 0.000085%; no homozygotes.

Submissions (3):

Ambry Genetics
Classification: Uncertain significance for Hereditary cancer-predisposing syndrome. Last evaluated: 2025-06-21. Review status: criteria provided, single submitter. Criteria: Ambry Variant Classification Scheme 2023. Collection method: clinical testing. Allele origin: germline.
Comment: The p.A877S variant (also known as c.2629G>T), located in coding exon 15 of the RET gene, results from a G to T substitution at nucleotide position 2629. The alanine at codon 877 is replaced by serine, an amino acid with similar properties. This amino acid position is conserved. In addition, this alteration is predicted to be deleterious by in silico analysis. Since supporting evidence is limited at this time, the clinical significance of this alteration remains unclear.

Labcorp Genetics (formerly Invitae), Labcorp
Classification: Uncertain significance for Multiple endocrine neoplasia, type 2. Last evaluated: 2024-11-25. Review status: criteria provided, single submitter. Criteria: Invitae Variant Classification Sherloc (09022015). Collection method: clinical testing. Allele origin: germline.
Comment: This sequence change replaces alanine, which is neutral and non-polar, with serine, which is neutral and polar, at codon 877 of the RET protein (p.Ala877Ser). This variant is not present in population databases (gnomAD no frequency). This variant has not been reported in the literature in individuals affected with RET-related conditions. ClinVar contains an entry for this variant (Variation ID: 1794023). An algorithm developed to predict the effect of missense changes on protein structure and function (PolyPhen-2) suggests that this variant is likely to be disruptive. In summary, the available evidence is currently insufficient to determine the role of this variant in disease. Therefore, it has been classified as a Variant of Uncertain Significance.

All of Us Research Program, National Institutes of Health
Classification: Uncertain significance for Multiple endocrine neoplasia, type 2. Last evaluated: 2024-04-25. Review status: criteria provided, single submitter. Criteria: ACMG Guidelines, 2015. Collection method: clinical testing. Allele origin: germline. Inheritance: Autosomal dominant inheritance. Observed: 1 variant allele, 1 heterozygote.
Comment: This missense variant replaces alanine with serine at codon 877 of the RET protein. Computational prediction suggests that this variant may have deleterious impact on protein structure and function (internally defined REVEL score threshold >= 0.7, PMID: 27666373). To our knowledge, functional studies have not been reported for this variant. This variant has not been reported in individuals affected with RET-related disorders in the literature. This variant has not been identified in the general population by the Genome Aggregation Database (gnomAD). The available evidence is insufficient to determine the role of this variant in disease conclusively. Therefore, this variant is classified as a Variant of Uncertain Significance.

This study involves interpretation of variants in research participants for the purpose of population health screening. Participant phenotype was not available at the time of variant classification. Additional details can be found in publication PMID: 35346344, PMCID: PMC8962531